The following is an entry in ClinVar:

ClinVar aggregate classification (germline): Uncertain significance. Review status: criteria provided, multiple submitters, no conflicts (2 of 4 stars). 6 submissions from 6 submitters: Uncertain significance (6). Last evaluated 2025-12-02.

Conditions:
Cardiovascular phenotype. Identifiers: MedGen CN230736.
Arrhythmogenic cardiomyopathy with wooly hair and keratoderma. Also called: Carvajal syndrome; Dilated cardiomyopathy with woolly hair and keratoderma; Arrhythmogenic cardiomyopathy with woolly hair and keratoderma; PALMOPLANTAR KERATODERMA WITH LEFT VENTRICULAR CARDIOMYOPATHY AND WOOLLY HAIR. Identifiers: Orphanet 65282, MedGen C1854063, MONDO:0011581, OMIM 605676.
Arrhythmogenic right ventricular dysplasia 8 (ARVD8). Also called: ARRHYTHMOGENIC RIGHT VENTRICULAR DYSPLASIA, FAMILIAL, 8; ARRHYTHMOGENIC RIGHT VENTRICULAR CARDIOMYOPATHY 8; Arrhythmogenic Right Ventricular Dysplasia/Cardiomyopathy 8. Identifiers: MedGen C1843896, MONDO:0011831, OMIM 607450.
Cardiomyopathy (CMYO). Also called: Cardiomyopathies. Identifiers: Orphanet 167848, MedGen C0878544, MONDO:0004994, HP:0001638. Inheritance: Various modes of inheritance.
Cardiomyopathy, dilated, with wooly hair, keratoderma, and tooth agenesis. Also called: Erythrokeratodermia-cardiomyopathy syndrome; Cardiomyopathy, dilated, with woolly hair, keratoderma, and tooth agenesis. Identifiers: Orphanet 476096, Orphanet 65282, MedGen C4014393, MONDO:0014355, OMIM 615821.
Lethal acantholytic epidermolysis bullosa (EBLA). Identifiers: Orphanet 158687, MedGen C1864826, MONDO:0012323, OMIM 609638.
Woolly hair-skin fragility syndrome (WHSF). Identifiers: Orphanet 293165, MedGen C1843292, MONDO:0957307, OMIM 620415.
Keratosis palmoplantaris striata 2. Also called: KERATODERMA, PALMOPLANTAR, STRIATE FORM II; STRIATE PALMOPLANTAR KERATODERMA II; Keratosis palmoplantaris striata II. Identifiers: MedGen C1852127, MONDO:0013034, OMIM 612908.

Submissions (6):

Ambry Genetics
Classification: Uncertain significance for Cardiovascular phenotype. Last evaluated: 2025-12-02. Review status: criteria provided, single submitter. Criteria: Ambry Variant Classification Scheme 2023. Collection method: clinical testing. Allele origin: germline.
Comment: The c.4072_4074delGAG variant (also known as p.E1358del) is located in coding exon 23 of the DSP gene. This variant results from an in-frame GAG deletion at nucleotide positions 4072 to 4074. This results in the in-frame deletion of a glutamic acid at codon 1358. This amino acid position is well conserved in available vertebrate species. In addition, this variant is predicted to be neutral by in silico analysis (Choi Y et al. PLoS ONE. 2012; 7(10):e46688). Based on the available evidence, the clinical significance of this variant remains unclear.

Color Diagnostics, LLC DBA Color Health
Classification: Uncertain significance for Cardiomyopathy. Last evaluated: 2025-11-21. Review status: criteria provided, single submitter. Criteria: ACMG Guidelines, 2015. Collection method: clinical testing. Allele origin: germline.
Comment: This variant causes a deletion of 1 amino acid at codon 1358 in the DSP protein. To our knowledge, functional studies have not been reported for this variant. This variant has not been reported in individuals affected with DSP-related disorders in the literature. This variant has been identified in 12/1613586 chromosomes in the general population by the Genome Aggregation Database (gnomAD). The available evidence is insufficient to determine the role of this variant in disease conclusively. Therefore, this variant is classified as a Variant of Uncertain Significance.

Labcorp Genetics (formerly Invitae), Labcorp
Classification: Uncertain significance for Arrhythmogenic cardiomyopathy with wooly hair and keratoderma; Arrhythmogenic right ventricular dysplasia 8. Last evaluated: 2024-02-13. Review status: criteria provided, single submitter. Criteria: Invitae Variant Classification Sherloc (09022015). Collection method: clinical testing. Allele origin: germline.
Comment: This variant, c.4072_4074del, results in the deletion of 1 amino acid(s) of the DSP protein (p.Glu1358del), but otherwise preserves the integrity of the reading frame. This variant is present in population databases (rs777457799, gnomAD 0.002%). This variant has not been reported in the literature in individuals affected with DSP-related conditions. ClinVar contains an entry for this variant (Variation ID: 422686). Experimental studies and prediction algorithms are not available or were not evaluated, and the functional significance of this variant is currently unknown. In summary, the available evidence is currently insufficient to determine the role of this variant in disease. Therefore, it has been classified as a Variant of Uncertain Significance.

All of Us Research Program, National Institutes of Health
Classification: Uncertain significance for Arrhythmogenic cardiomyopathy with wooly hair and keratoderma. Last evaluated: 2023-12-01. Review status: criteria provided, single submitter. Criteria: ACMG Guidelines, 2015. Collection method: clinical testing. Allele origin: germline. Inheritance: Autosomal dominant inheritance. Observed: 1 variant allele, 1 heterozygote.
Comment: This study involves interpretation of variants in research participants for the purpose of population health screening. Participant phenotype was not available at the time of variant classification. Additional details can be found in publication PMID: 35346344, PMCID: PMC8962531

Fulgent Genetics
Classification: Uncertain significance for Arrhythmogenic cardiomyopathy with wooly hair and keratoderma; Arrhythmogenic right ventricular dysplasia 8; Lethal acantholytic epidermolysis bullosa; Keratosis palmoplantaris striata 2; Cardiomyopathy, dilated, with wooly hair, keratoderma, and tooth agenesis. Last evaluated: 2021-12-27. Review status: criteria provided, single submitter. Criteria: ACMG Guidelines, 2015. Collection method: clinical testing. Allele origin: unknown.

GeneDx
Classification: Uncertain significance. Last evaluated: 2019-05-29. Review status: criteria provided, single submitter. Criteria: GeneDx Variant Classification (06012015). Collection method: clinical testing. Allele origin: germline. Affected: yes.
Comment: Has not been previously published as pathogenic or benign to our knowledge Not observed at a significant frequency in large population cohorts (Lek et al., 2016) In silico analysis, which includes protein predictors and evolutionary conservation, supports that this variant does not alter protein structure/function

NM_004415.4(DSP):c.4069GAG[1] (p.Glu1358del)

Gene: DSP (desmoplakin; plus strand). Cytogenetic location: 6p24.3.
Variant type: Microsatellite.
Coding change: c.4069GAG[1] on transcript NM_004415.4 (MANE Select); one copy of the 3-base unit GAG starting at c.4069; the reference has two copies in a row; one copy, 3 bases deleted; also written c.4072_4074del.
Protein change: p.Glu1358del; deletes glutamic acid 1358.
Molecular consequence: inframe deletion. On other transcripts: intron variant (2).
Genome position (GRCh38, 1-based): chr6:7,580,262-7,580,264, GAG deleted; deleting any 3 consecutive bases within chr6:7,580,259-7,580,264 gives the same sequence; the position shown is the placement nearest the transcript's 3' end. VCF-style (leftmost placement, unchanged base first): chr6-7580258-TGAG-T. GRCh37 (hg19) VCF-style: chr6-7580491-TGAG-T.
Other names: c.4050+22_4050+24del (NM_001319034.2); c.3582+490_3582+492del (NM_001008844.3); c.4072_4074del (NM_004415.2, NM_004415.4); short protein forms E1358del.
Identifiers: ClinVar variation 422686 (VCV000422686.18), dbSNP rs777457799, ClinGen allele CA040061.